The following is an entry in ClinVar:

ClinVar aggregate classification (germline): Uncertain significance (1 of 4 stars; one submission).

Allele frequency attached by ClinVar (database versions not stated): gnomAD 0.00003; TOPMed 0.00003; ExAC 0.00004; ESP Exome Variant Server 0.00008.
gnomAD v4.1: 37 of 1,594,848 alleles (0.0023%); highest among the groups gnomAD compares: Admixed American, 0.0034%; 1 homozygote.

Submission:

Labcorp Genetics (formerly Invitae), Labcorp
Classification: Uncertain significance. Last evaluated: 2022-09-12. Review status: criteria provided, single submitter. Criteria: Invitae Variant Classification Sherloc (09022015). Collection method: clinical testing. Allele origin: germline.
Comment: This variant has not been reported in the literature in individuals affected with DOCK6-related conditions. In summary, the available evidence is currently insufficient to determine the role of this variant in disease. Therefore, it has been classified as a Variant of Uncertain Significance. Advanced modeling of protein sequence and biophysical properties (such as structural, functional, and spatial information, amino acid conservation, physicochemical variation, residue mobility, and thermodynamic stability) performed at Invitae indicates that this missense variant is not expected to disrupt DOCK6 protein function. The frequency data for this variant in the population databases is considered unreliable, as metrics indicate poor data quality at this position in the gnomAD database. This sequence change replaces alanine, which is neutral and non-polar, with valine, which is neutral and non-polar, at codon 804 of the DOCK6 protein (p.Ala804Val).

NM_020812.4(DOCK6):c.2411C>T (p.Ala804Val)

Gene: DOCK6 (dedicator of cytokinesis 6; minus strand). Cytogenetic location: 19p13.2.
Variant type: single nucleotide variant.
Coding change: c.2411C>T on transcript NM_020812.4 (MANE Select); coding-DNA position 2411, C replaced by T.
Protein change: p.Ala804Val; replaces alanine 804 with valine.
Molecular consequence: missense variant.
Genome position (GRCh38, 1-based): chr19:11,235,741, G>A on the plus strand (C>T on the coding strand, the complement: DOCK6 is on the minus strand). VCF-style: chr19-11235741-G-A. GRCh37 (hg19) VCF-style: chr19-11346417-G-A.
Other names: c.2411C>T, p.Ala804Val (NM_001367830.1); short protein forms A804V.
Identifiers: ClinVar variation 1898791 (VCV001898791.5), dbSNP rs369801948, ClinGen allele CA9207632.